The following is an entry in ClinVar:

NM_001429.4(EP300):c.2191C>T (p.Pro731Ser)

Gene: EP300 (EP300 lysine acetyltransferase; plus strand). Cytogenetic location: 22q13.2.
Variant type: single nucleotide variant.
Coding change: c.2191C>T on transcript NM_001429.4 (MANE Select); coding-DNA position 2191, C replaced by T.
Protein change: p.Pro731Ser; replaces proline 731 with serine.
Molecular consequence: missense variant.
Genome position (GRCh38, 1-based): chr22:41,147,896, C>T. VCF-style: chr22-41147896-C-T. GRCh37 (hg19) VCF-style: chr22-41543900-C-T.
Other names: c.2113C>T, p.Pro705Ser (NM_001362843.2); c.2191C>T (NM_001429.3); short protein forms P705S, P731S.
Identifiers: ClinVar variation 2991315 (VCV002991315.4), dbSNP rs1290732977, ClinGen allele CA411690081.

ClinVar aggregate classification (germline): Conflicting classifications of pathogenicity. Review status: criteria provided, conflicting classifications (1 of 4 stars). 2 submissions from 2 submitters: Uncertain significance (1); Likely benign (1). Last evaluated 2026-01-27.

Conditions:
Rubinstein-Taybi syndrome due to EP300 haploinsufficiency. Also called: EP300-Related Rubinstein-Taybi Syndrome; RUBINSTEIN-TAYBI SYNDROME 2. Identifiers: Orphanet 353284, Orphanet 783, MedGen C3150941, MONDO:0013364, OMIM 613684.
Inborn genetic diseases. Identifiers: MedGen C0950123, MeSH D030342.

Allele frequency attached by ClinVar (database versions not stated): gnomAD 0.00001; TOPMed 0.00001.
gnomAD v4.1: 1 of 1,613,958 alleles (0.000062%); highest among the groups gnomAD compares: Admixed American, 0.0017%; no homozygotes.

Submissions (2):

Labcorp Genetics (formerly Invitae), Labcorp
Classification: Uncertain significance for Rubinstein-Taybi syndrome due to EP300 haploinsufficiency. Last evaluated: 2026-01-27. Review status: criteria provided, single submitter. Criteria: Invitae Variant Classification Sherloc (09022015). Collection method: clinical testing. Allele origin: germline.
Comment: This sequence change replaces proline, which is neutral and non-polar, with serine, which is neutral and polar, at codon 731 of the EP300 protein (p.Pro731Ser). This variant is not present in population databases (gnomAD no frequency). This variant has not been reported in the literature in individuals affected with EP300-related conditions. ClinVar contains an entry for this variant (Variation ID: 2991315). Invitae Evidence Modeling of protein sequence and biophysical properties (such as structural, functional, and spatial information, amino acid conservation, physicochemical variation, residue mobility, and thermodynamic stability) indicates that this missense variant is not expected to disrupt EP300 protein function with a negative predictive value of 80%. In summary, the available evidence is currently insufficient to determine the role of this variant in disease. Therefore, it has been classified as a Variant of Uncertain Significance.

Ambry Genetics
Classification: Likely benign for Inborn genetic diseases. Last evaluated: 2025-02-26. Review status: criteria provided, single submitter. Criteria: Ambry Variant Classification Scheme 2023. Collection method: clinical testing. Allele origin: germline.